The following is an entry in ClinVar:

ClinVar aggregate classification (germline): Likely benign (0 of 4 stars; one submission).

Conditions:
DNAJC3-related disorder. Also called: DNAJC3-related condition.

Allele frequency attached by ClinVar (database versions not stated): gnomAD exomes below 0.00001.
gnomAD v4.1: 2 of 1,583,650 alleles (0.00013%); highest among the groups gnomAD compares: Non-Finnish European, 0.00017%; no homozygotes.

Submission:

PreventionGenetics, part of Exact Sciences
Classification: Likely benign for DNAJC3-related condition. Last evaluated: 2019-07-21. Review status: no assertion criteria provided. Collection method: clinical testing. Allele origin: germline.
Comment: This variant is classified as likely benign based on ACMG/AMP sequence variant interpretation guidelines (Richards et al. 2015 PMID: 25741868, with internal and published modifications).

NM_006260.5(DNAJC3):c.111T>A (p.Val37=)

Gene: DNAJC3 (DnaJ heat shock protein family (Hsp40) member C3; plus strand). Cytogenetic location: 13q32.1.
Variant type: single nucleotide variant.
Coding change: c.111T>A on transcript NM_006260.5 (MANE Select); coding-DNA position 111, T replaced by A.
Protein change: p.Val37=; no amino-acid change (valine 37 retained).
Molecular consequence: synonymous variant.
Genome position (GRCh38, 1-based): chr13:95,709,255, T>A. VCF-style: chr13-95709255-T-A. GRCh37 (hg19) VCF-style: chr13-96361509-T-A.
Identifiers: ClinVar variation 3050286 (VCV003050286.2), dbSNP rs2502782592, ClinGen allele CA484668904.
Genomic context (GRCh38, chr13:95,709,255, plus strand): 5'-AGTTAACTGATTGTTTTTAATTTTATTTTTAGGTGCTGAATGTGGAGTAAATGCAGATGT[T>A]GAGAAACATCTTGAATTGGGCAAGAAATTACTTGCAGCTGGACAGCTAGCTGATGCTTTA-3'
Protein context (NP_006251.1, residues 27-47): EGAECGVNAD[Val37=]EKHLELGKKL